The following is an entry in ClinVar:

NM_003052.5(SLC34A1):c.1238C>T (p.Thr413Ile)

Gene: SLC34A1 (solute carrier family 34 member 1; plus strand). Cytogenetic location: 5q35.3.
Variant type: single nucleotide variant.
Coding change: c.1238C>T on transcript NM_003052.5 (MANE Select); coding-DNA position 1238, C replaced by T.
Protein change: p.Thr413Ile; replaces threonine 413 with isoleucine.
Molecular consequence: missense variant.
Genome position (GRCh38, 1-based): chr5:177,396,796, C>T. VCF-style: chr5-177396796-C-T. GRCh37 (hg19) VCF-style: chr5-176823797-C-T.
Other names: short protein forms T413I.
Identifiers: ClinVar variation 2444148 (VCV002444148.2), dbSNP rs764223255, ClinGen allele CA3580707.
Genomic context (GRCh38, chr5:177,396,796, plus strand): 5'-TCCCTGCCCCCTTCACCTGGGTCACAGGCTACTTTGCCATGGTGGTGGGCGCCAGCATGA[C>T]CTTCGTGGTCCAGAGCAGTTCTGTGTTCACCTCGGCCATCACCCCACTCATCGGTGAGTG-3'
Protein context (NP_003043.3, residues 403-423): YFAMVVGASM[Thr413Ile]FVVQSSSVFT

ClinVar aggregate classification (germline): Uncertain significance. Review status: criteria provided, multiple submitters, no conflicts (2 of 4 stars). 2 submissions from 2 submitters: Uncertain significance (2). Last evaluated 2024-04-13.

Conditions:
Fanconi renotubular syndrome 2 (FRTS2). Identifiers: MedGen C3150652, MONDO:0013247, OMIM 613388.
Hypophosphatemic nephrolithiasis/osteoporosis 1. Identifiers: Orphanet 244305, MedGen C2676786, MONDO:0012850, OMIM 612286.
Hypercalcemia, infantile, 2 (HCINF2). Identifiers: Orphanet 300547, MedGen C4310473, MONDO:0014851, OMIM 616963.

Allele frequency attached by ClinVar (database versions not stated): ExAC 0.00002.
gnomAD v4.1: 48 of 1,614,102 alleles (0.003%); highest among the groups gnomAD compares: East Asian, 0.0067%; no homozygotes.

Submissions (2):

Fulgent Genetics
Classification: Uncertain significance for Hypophosphatemic nephrolithiasis/osteoporosis 1; Fanconi renotubular syndrome 2; Hypercalcemia, infantile, 2. Last evaluated: 2024-04-13. Review status: criteria provided, single submitter. Criteria: ACMG Guidelines, 2015. Collection method: clinical testing. Allele origin: germline.

3billion
Classification: Uncertain significance for Hypercalcemia, infantile, 2. Last evaluated: 2023-02-23. Review status: criteria provided, single submitter. Criteria: ACMG Guidelines, 2015. Collection method: clinical testing. Allele origin: unknown. Affected: yes.
Comment: The variant is observed at an extremely low frequency in the gnomAD v2.1.1 dataset (total allele frequency: 0.001%). In silico tool predictions suggest damaging effect of the variant on gene or gene product (REVEL: 0.95; 3Cnet: 0.87). Therefore, this variant is classified as VUS according to the recommendation of ACMG/AMP guideline.